The following is an entry in ClinVar:

NM_001943.5(DSG2):c.3146G>T (p.Arg1049Ile)

Genes: DSG2 (desmoglein 2; plus strand), DSG2-AS1 (DSG2 antisense RNA 1; minus strand). Cytogenetic location: 18q12.1.
Variant type: single nucleotide variant.
Coding change: c.3146G>T on transcript NM_001943.5 (MANE Select); coding-DNA position 3146, G replaced by T.
Protein change: p.Arg1049Ile; replaces arginine 1049 with isoleucine.
Molecular consequence: missense variant.
Genome position (GRCh38, 1-based): chr18:31,546,532, G>T. VCF-style: chr18-31546532-G-T. GRCh37 (hg19) VCF-style: chr18-29126495-G-T.
Other names: short protein forms R1049I.
Identifiers: ClinVar variation 2144050 (VCV002144050.5), dbSNP rs1395654028, ClinGen allele CA402148693.

ClinVar aggregate classification (germline): Uncertain significance. Review status: criteria provided, multiple submitters, no conflicts (2 of 4 stars). 2 submissions from 2 submitters: Uncertain significance (2). Last evaluated 2024-03-24.

Conditions:
Arrhythmogenic right ventricular dysplasia 10. Also called: ARRHYTHMOGENIC RIGHT VENTRICULAR DYSPLASIA, FAMILIAL, 10; Arrhythmogenic Right Ventricular Dysplasia/Cardiomyopathy10; Arrhythmogenic right ventricular dysplasia/cardiomyopathy, type 10. Identifiers: MedGen C1857777, MONDO:0012434, OMIM 610193.
Arrhythmogenic right ventricular cardiomyopathy (ARVD). Also called: Arrhythmogenic right ventricular dysplasia; Cardiomyopathy, ARVC; Arrhythmogenic cardiomyopathy; Arrhythmogenic Right Ventricular Cardiomyopathy (ARVC). Identifiers: Orphanet 247, MedGen C0349788, MeSH D019571, MONDO:0016587. Disease mechanism: loss of function. Inheritance: Various modes of inheritance.

Submissions (2):

All of Us Research Program, National Institutes of Health
Classification: Uncertain significance for Arrhythmogenic right ventricular cardiomyopathy. Last evaluated: 2024-03-24. Review status: criteria provided, single submitter. Criteria: ACMG Guidelines, 2015. Collection method: clinical testing. Allele origin: germline. Inheritance: Autosomal dominant inheritance. Observed: 1 variant allele, 1 heterozygote.
Comment: This missense variant replaces arginine with isoleucine at codon 1049 of the DSG2 protein. Computational prediction is inconclusive regarding the impact of this variant on protein structure and function (internally defined REVEL score threshold 0.5 < inconclusive < 0.7, PMID: 27666373). To our knowledge, functional studies have not been reported for this variant. This variant has been reported in an individual affected with dilated cardiomyopathy (PMID: 32880476). This variant has not been identified in the general population by the Genome Aggregation Database (gnomAD). The available evidence is insufficient to determine the role of this variant in disease conclusively. Therefore, this variant is classified as a Variant of Uncertain Significance.

This study involves interpretation of variants in research participants for the purpose of population health screening. Participant phenotype was not available at the time of variant classification. Additional details can be found in publication PMID: 35346344, PMCID: PMC8962531

Labcorp Genetics (formerly Invitae), Labcorp
Classification: Uncertain significance for Arrhythmogenic right ventricular dysplasia 10. Last evaluated: 2021-12-18. Review status: criteria provided, single submitter. Criteria: Invitae Variant Classification Sherloc (09022015). Collection method: clinical testing. Allele origin: germline.
Comment: In summary, the available evidence is currently insufficient to determine the role of this variant in disease. Therefore, it has been classified as a Variant of Uncertain Significance. Algorithms developed to predict the effect of missense changes on protein structure and function are either unavailable or do not agree on the potential impact of this missense change (SIFT: "Tolerated"; PolyPhen-2: "Possibly Damaging"; Align-GVGD: "Class C0"). This missense change has been observed in individual(s) with dilated cardiomyopathy (PMID: 32880476). This variant is not present in population databases (gnomAD no frequency). This sequence change replaces arginine, which is basic and polar, with isoleucine, which is neutral and non-polar, at codon 1049 of the DSG2 protein (p.Arg1049Ile).

Literature cited by the submitters: PubMed 32880476 (cited by All of Us Research Program, National Institutes of Health and Labcorp Genetics (formerly Invitae), Labcorp).